The following is an entry in ClinVar:

ClinVar aggregate classification (germline): Uncertain significance. Review status: criteria provided, multiple submitters, no conflicts (2 of 4 stars). 3 submissions from 3 submitters: Uncertain significance (3). Last evaluated 2024-04-12.

Conditions:
Hereditary cancer-predisposing syndrome. Also called: Neoplastic Syndromes, Hereditary; Tumor predisposition; Hereditary Cancer Syndrome; Hereditary neoplastic syndrome. Identifiers: Orphanet 140162, MedGen C0027672, MeSH D009386, MONDO:0015356.
Familial adenomatous polyposis 1 (FAP1). Also called: FAMILIAL ADENOMATOUS POLYPOSIS 1, ATTENUATED; POLYPOSIS, ADENOMATOUS INTESTINAL. Identifiers: MedGen C2713442, MONDO:0021056, OMIM 175100. Disease mechanism: loss of function.

Submissions (3):

Ambry Genetics
Classification: Uncertain significance for Hereditary cancer-predisposing syndrome. Last evaluated: 2024-04-12. Review status: criteria provided, single submitter. Criteria: Ambry Variant Classification Scheme 2023. Collection method: clinical testing. Allele origin: germline.
Comment: The p.H388Y variant (also known as c.1162C>T), located in coding exon 9 of the APC gene, results from a C to T substitution at nucleotide position 1162. The histidine at codon 388 is replaced by tyrosine, an amino acid with similar properties. This amino acid position is highly conserved in available vertebrate species. In addition, in silico predictors for this gene do not accurately predict pathogenicity. Since supporting evidence is limited at this time, the clinical significance of this alteration remains unclear.

GeneDx
Classification: Uncertain significance. Last evaluated: 2023-10-24. Review status: criteria provided, single submitter. Criteria: GeneDx Variant Classification Process June 2021. Collection method: clinical testing. Allele origin: germline. Affected: yes.
Comment: Not observed at significant frequency in large population cohorts (gnomAD); In silico analysis supports that this missense variant has a deleterious effect on protein structure/function; Has not been previously published as pathogenic or benign to our knowledge

Labcorp Genetics (formerly Invitae), Labcorp
Classification: Uncertain significance for Familial adenomatous polyposis 1. Last evaluated: 2022-09-27. Review status: criteria provided, single submitter. Criteria: Invitae Variant Classification Sherloc (09022015). Collection method: clinical testing. Allele origin: germline.
Comment: In summary, the available evidence is currently insufficient to determine the role of this variant in disease. Therefore, it has been classified as a Variant of Uncertain Significance. Advanced modeling of protein sequence and biophysical properties (such as structural, functional, and spatial information, amino acid conservation, physicochemical variation, residue mobility, and thermodynamic stability) performed at Invitae indicates that this missense variant is not expected to disrupt APC protein function. This variant has not been reported in the literature in individuals affected with APC-related conditions. This variant is not present in population databases (gnomAD no frequency). This sequence change replaces histidine, which is basic and polar, with tyrosine, which is neutral and polar, at codon 388 of the APC protein (p.His388Tyr).

NM_000038.6(APC):c.1162C>T (p.His388Tyr)

Gene: APC (APC regulator of Wnt signaling pathway; plus strand). Cytogenetic location: 5q22.2.
Variant type: single nucleotide variant.
Coding change: c.1162C>T on transcript NM_000038.6 (MANE Select); coding-DNA position 1162, C replaced by T.
Protein change: p.His388Tyr; replaces histidine 388 with tyrosine.
Molecular consequence: missense variant. On other transcripts: intron variant (4).
Genome position (GRCh38, 1-based): chr5:112,819,194, C>T. VCF-style: chr5-112819194-C-T. GRCh37 (hg19) VCF-style: chr5-112154891-C-T.
Other names: c.1162C>T, p.His388Tyr (NM_001127510.3, NM_001354895.2, NM_001354896.2 and 4 more transcripts); c.1108C>T, p.His370Tyr (NM_001127511.3); c.1192C>T, p.His398Tyr (NM_001354897.2, NM_001407446.1); c.1087C>T, p.His363Tyr (NM_001354898.2, NM_001407451.1); c.1078C>T, p.His360Tyr (NM_001354899.2, NM_001407452.1); c.985C>T, p.His329Tyr (NM_001354900.2, NM_001354901.2, NM_001407453.1); c.964-75C>T (NM_001354902.2); c.859-75C>T (NM_001354904.2); and 3 more; short protein forms H105Y, H329Y, H388Y, H363Y, H370Y, H398Y, H360Y.
Identifiers: ClinVar variation 1737223 (VCV001737223.9), dbSNP rs2149781892, ClinGen allele CA16023848.
Genomic context (GRCh38, chr5:112,819,194, plus strand): 5'-GTATTGTTGGGAAATTCCCGGGGCAGTAAAGAGGCTCGGGCCAGGGCCAGTGCAGCACTC[C>T]ACAACATCATTCACTCACAGCCTGATGACAAGAGAGGCAGGCGTGAAATCCGAGTCCTTC-3'
Protein context (NP_000029.2, residues 378-398): EARARASAAL[His388Tyr]NIIHSQPDDK